The following is an entry in ClinVar:

NM_002335.4(LRP5):c.948G>T (p.Glu316Asp)

Gene: LRP5 (LDL receptor related protein 5; plus strand). Cytogenetic location: 11q13.2.
Variant type: single nucleotide variant.
Coding change: c.948G>T on transcript NM_002335.4 (MANE Select); coding-DNA position 948, G replaced by T.
Protein change: p.Glu316Asp; replaces glutamic acid 316 with aspartic acid.
Molecular consequence: missense variant. On other transcripts: 5 prime UTR variant (1).
Genome position (GRCh38, 1-based): chr11:68,365,635, G>T. VCF-style: chr11-68365635-G-T. GRCh37 (hg19) VCF-style: chr11-68133103-G-T.
Other names: c.948G>T (NM_002335.2); c.-818G>T (NM_001291902.2); short protein forms E316D.
Identifiers: ClinVar variation 1375600 (VCV001375600.9), dbSNP rs1241805065, ClinGen allele CA381611479.

ClinVar aggregate classification (germline): Uncertain significance. Review status: criteria provided, multiple submitters, no conflicts (2 of 4 stars). 3 submissions from 3 submitters: Uncertain significance (3). Last evaluated 2025-02-21.

Conditions:
Inborn genetic diseases. Identifiers: MedGen C0950123, MeSH D030342.

Allele frequency attached by ClinVar (database versions not stated): gnomAD exomes below 0.00001.
gnomAD v4.1: 1 of 1,611,396 alleles (0.000062%); highest among the groups gnomAD compares: Non-Finnish European, 0.000085%; no homozygotes.

Submissions (3):

Dasa
Classification: Uncertain significance. Last evaluated: 2025-02-21. Review status: criteria provided, single submitter. Criteria: DASA Assertion Criteria. Collection method: clinical testing. Allele origin: germline.
Comment: NM_002335.4(LRP5):c.948G>T (p.Glu316Asp) is a missense variant that results in the substitution of glutamic acid with aspartic acid. This variant is rare in population databases. Computational prediction algorithms are consistent with a benign effect. The currently available literature and clinical evidence are not sufficient to establish a definitive association between this variant and the reported condition. Therefore, this variant is classified as a variant of uncertain significance.

Ambry Genetics
Classification: Uncertain significance for Inborn genetic diseases. Last evaluated: 2024-10-23. Review status: criteria provided, single submitter. Criteria: Ambry Variant Classification Scheme 2023. Collection method: clinical testing. Allele origin: germline.

Labcorp Genetics (formerly Invitae), Labcorp
Classification: Uncertain significance. Last evaluated: 2022-07-19. Review status: criteria provided, single submitter. Criteria: Invitae Variant Classification Sherloc (09022015). Collection method: clinical testing. Allele origin: germline.
Comment: This sequence change replaces glutamic acid, which is acidic and polar, with aspartic acid, which is acidic and polar, at codon 316 of the LRP5 protein (p.Glu316Asp). In summary, the available evidence is currently insufficient to determine the role of this variant in disease. Therefore, it has been classified as a Variant of Uncertain Significance. Advanced modeling of protein sequence and biophysical properties (such as structural, functional, and spatial information, amino acid conservation, physicochemical variation, residue mobility, and thermodynamic stability) performed at Invitae indicates that this missense variant is not expected to disrupt LRP5 protein function. ClinVar contains an entry for this variant (Variation ID: 1375600). This variant has not been reported in the literature in individuals affected with LRP5-related conditions. This variant is present in population databases (no rsID available, gnomAD 0.002%).